The following is an entry in ClinVar:

NM_004370.6(COL12A1):c.5252-15A>C

Gene: COL12A1 (collagen type XII alpha 1 chain; minus strand). Cytogenetic location: 6q13.
Variant type: single nucleotide variant.
Coding change: c.5252-15A>C on transcript NM_004370.6 (MANE Select); 15 bases into the intron before coding-DNA position 5252, A replaced by C.
Molecular consequence: intron variant.
Genome position (GRCh38, 1-based): chr6:75,137,594, T>G on the plus strand (A>C on the coding strand, the complement: COL12A1 is on the minus strand). VCF-style: chr6-75137594-T-G. GRCh37 (hg19) VCF-style: chr6-75847310-T-G.
Other names: c.1760-15A>C (NM_001424116.1, NM_080645.3); c.4979-15A>C (NM_001424115.1); c.5231-15A>C (NM_001424114.1); c.5252-15A>C (NM_001424113.1).
Identifiers: ClinVar variation 4688382 (VCV004688382.1).

ClinVar aggregate classification (germline): Likely benign (1 of 4 stars; one submission).

Submission:

Women's Health and Genetics/Laboratory Corporation of America, LabCorp
Classification: Likely benign. Last evaluated: 2025-12-30. Review status: criteria provided, single submitter. Criteria: LabCorp Variant Classification Summary - May 2015. Collection method: clinical testing. Allele origin: germline.
Comment: Variant summary: COL12A1 c.5252-15A>C alters a nucleotide located at a position not widely known to affect splicing. Consensus agreement among computation tools predict no significant impact on normal splicing. However, these predictions have yet to be confirmed by functional studies. The variant was absent in 248858 control chromosomes. The available data on variant occurrences in the general population are insufficient to allow any conclusion about variant significance. To our knowledge, no occurrence of c.5252-15A>C in individuals affected with COL12A1-related conditions and no experimental evidence demonstrating its impact on protein function have been reported. No submitters have cited clinical-significance assessments for this variant to ClinVar. Based on the evidence outlined above, the variant was classified as likely benign.